The following is an entry in ClinVar:

NM_032380.5(GFM2):c.1615C>A (p.His539Asn)

Gene: GFM2 (GTP dependent ribosome recycling factor mitochondrial 2; minus strand). Cytogenetic location: 5q13.3.
Variant type: single nucleotide variant.
Coding change: c.1615C>A on transcript NM_032380.5 (MANE Select); coding-DNA position 1615, C replaced by A.
Protein change: p.His539Asn; replaces histidine 539 with asparagine.
Molecular consequence: missense variant.
Genome position (GRCh38, 1-based): chr5:74,730,371, G>T on the plus strand (C>A on the coding strand, the complement: GFM2 is on the minus strand). VCF-style: chr5-74730371-G-T. GRCh37 (hg19) VCF-style: chr5-74026196-G-T.
Other names: c.1711C>A, p.His571Asn (NM_001281302.2); c.1474C>A, p.His492Asn (NM_170691.3); short protein forms H539N, H492N, H571N.
Identifiers: ClinVar variation 1899967 (VCV001899967.8), dbSNP rs1311326129, ClinGen allele CA360078168.

ClinVar aggregate classification (germline): Uncertain significance. Review status: criteria provided, multiple submitters, no conflicts (2 of 4 stars). 4 submissions from 4 submitters: Uncertain significance (4). Last evaluated 2025-06-29.

Conditions:
Combined oxidative phosphorylation deficiency 39. Identifiers: Orphanet 565624, MedGen C5193075, MONDO:0032726, OMIM 618397.

Submissions (4):

Dasa
Classification: Uncertain significance. Last evaluated: 2025-06-29. Review status: criteria provided, single submitter. Criteria: DASA Assertion Criteria. Collection method: clinical testing. Allele origin: germline.
Comment: NM_032380.5(GFM2):c.1615C>A (p.His539Asn) is a missense variant that results in the substitution of histidine with asparagine. Multiple computational predictions support a deleterious effect on the gene or gene product. The variant is present at low frequency in population datasets. Based on the available data, this variant is classified as variant of uncertain significance.

Laboratorio de Genetica e Diagnostico Molecular, Hospital Israelita Albert Einstein
Classification: Uncertain significance for Combined oxidative phosphorylation deficiency 39. Last evaluated: 2023-09-27. Review status: criteria provided, single submitter. Criteria: ACMG Guidelines, 2015. Collection method: clinical testing. Allele origin: germline. Affected: yes.
Comment: ACMG classification criteria: PM2 moderate, PP3 supporting

3billion
Classification: Uncertain significance for Combined oxidative phosphorylation deficiency 39. Last evaluated: 2023-02-23. Review status: criteria provided, single submitter. Criteria: ACMG Guidelines, 2015. Collection method: clinical testing. Allele origin: unknown. Affected: yes.
Comment: The variant is not observed in the gnomAD v2.1.1 dataset. Protein truncation variants are a common disease-causing mechanism. In silico tool predictions suggest damaging effect of the variant on gene or gene product (REVEL: 0.87; 3Cnet: 0.85). Therefore, this variant is classified as VUS according to the recommendation of ACMG/AMP guideline.

Labcorp Genetics (formerly Invitae), Labcorp
Classification: Uncertain significance. Last evaluated: 2022-08-06. Review status: criteria provided, single submitter. Criteria: Invitae Variant Classification Sherloc (09022015). Collection method: clinical testing. Allele origin: germline.
Comment: In summary, the available evidence is currently insufficient to determine the role of this variant in disease. Therefore, it has been classified as a Variant of Uncertain Significance. This sequence change replaces histidine, which is basic and polar, with asparagine, which is neutral and polar, at codon 539 of the GFM2 protein (p.His539Asn). This variant is not present in population databases (gnomAD no frequency). This variant has not been reported in the literature in individuals affected with GFM2-related conditions. Algorithms developed to predict the effect of missense changes on protein structure and function are either unavailable or do not agree on the potential impact of this missense change (SIFT: "Deleterious"; PolyPhen-2: "Possibly Damaging"; Align-GVGD: "Class C0").